The following is an entry in ClinVar:

ClinVar aggregate classification (germline): Uncertain significance (1 of 4 stars; one submission).

Conditions:
Hereditary cancer-predisposing syndrome. Also called: Hereditary Cancer Syndrome; Neoplastic Syndromes, Hereditary; Tumor predisposition; Hereditary neoplastic syndrome. Identifiers: Orphanet 140162, MedGen C0027672, MeSH D009386, MONDO:0015356.

gnomAD v4.1: 2 of 1,614,166 alleles (0.00012%); highest among the groups gnomAD compares: East Asian, 0.0022%; no homozygotes.

Submission:

Ambry Genetics
Classification: Uncertain significance for Hereditary cancer-predisposing syndrome. Last evaluated: 2026-08-02. Review status: criteria provided, single submitter. Criteria: Ambry Variant Classification Scheme 2023. Collection method: clinical testing. Allele origin: germline.
Comment: The p.F363V variant (also known as c.1087T>G), located in coding exon 7 of the DICER1 gene, results from a T to G substitution at nucleotide position 1087. The phenylalanine at codon 363 is replaced by valine, an amino acid with highly similar properties. This amino acid position is conserved. In addition, the in silico prediction for this alteration is inconclusive. Based on the available evidence, the clinical significance of this variant remains unclear.

NM_177438.3(DICER1):c.1087T>G (p.Phe363Val)

Gene: DICER1 (dicer 1, ribonuclease III; minus strand). Cytogenetic location: 14q32.13.
Variant type: single nucleotide variant.
Coding change: c.1087T>G on transcript NM_177438.3 (MANE Select); coding-DNA position 1087, T replaced by G.
Protein change: p.Phe363Val; replaces phenylalanine 363 with valine.
Molecular consequence: missense variant. On other transcripts: 5 prime UTR variant (1), non-coding transcript variant (6).
Genome position (GRCh38, 1-based): chr14:95,124,485, A>C on the plus strand (T>G on the coding strand, the complement: DICER1 is on the minus strand). VCF-style: chr14-95124485-A-C. GRCh37 (hg19) VCF-style: chr14-95590822-A-C.
Other names: c.1087T>G, p.Phe363Val (NM_001195573.1, NM_001271282.3, NM_001291628.2 and 14 more transcripts); c.805T>G, p.Phe269Val (NM_001395686.1); c.682T>G, p.Phe228Val (NM_001395687.1, NM_001395688.1, NM_001395689.1 and 3 more transcripts); c.520T>G, p.Phe174Val (NM_001395691.1); c.-482T>G (NM_001395697.1); short protein forms F228V, F363V, F174V, F269V.
Identifiers: ClinVar variation 5035304 (VCV005035304.1).